The following is an entry in ClinVar:

ClinVar aggregate classification (germline): Uncertain significance. Review status: criteria provided, multiple submitters, no conflicts (2 of 4 stars). 2 submissions from 2 submitters: Uncertain significance (2). Last evaluated 2026-09-08.

Conditions:
Inborn genetic diseases. Identifiers: MedGen C0950123, MeSH D030342.
SEMA3A-related disorder. Also called: SEMA3A-related condition.

gnomAD v4.1: 3 of 1,613,850 alleles (0.00019%); highest among the groups gnomAD compares: Admixed American, 0.0017%; no homozygotes.

Submissions (2):

PreventionGenetics, part of Exact Sciences
Classification: Uncertain significance for SEMA3A-related condition. Last evaluated: 2026-09-08. Review status: criteria provided, single submitter. Criteria: ACMG Guidelines, 2015. Collection method: clinical testing. Allele origin: germline.
Comment: The SEMA3A c.1576G>A variant is predicted to result in the amino acid substitution p.Glu526Lys. To our knowledge, this variant has not been reported in the literature or in a large population database (gnomAD), indicating this variant is rare. At this time, the clinical significance of this variant is uncertain due to the absence of conclusive functional and genetic evidence.

Ambry Genetics
Classification: Uncertain significance for Inborn genetic diseases. Last evaluated: 2024-12-14. Review status: criteria provided, single submitter. Criteria: Ambry Variant Classification Scheme 2023. Collection method: clinical testing. Allele origin: germline.

NM_006080.3(SEMA3A):c.1576G>A (p.Glu526Lys)

Gene: SEMA3A (semaphorin 3A; minus strand). Cytogenetic location: 7q21.11.
Variant type: single nucleotide variant.
Coding change: c.1576G>A on transcript NM_006080.3 (MANE Select); coding-DNA position 1576, G replaced by A.
Protein change: p.Glu526Lys; replaces glutamic acid 526 with lysine.
Molecular consequence: missense variant.
Genome position (GRCh38, 1-based): chr7:83,981,397, C>T on the plus strand (G>A on the coding strand, the complement: SEMA3A is on the minus strand). VCF-style: chr7-83981397-C-T. GRCh37 (hg19) VCF-style: chr7-83610713-C-T.
Other names: short protein forms E526K.
Identifiers: ClinVar variation 3357693 (VCV003357693.3).